The following is an entry in ClinVar:

ClinVar aggregate classification (germline): Pathogenic (1 of 4 stars; one submission).

Submission:

Quest Diagnostics Nichols Institute San Juan Capistrano
Classification: Pathogenic. Last evaluated: 2022-12-29. Review status: criteria provided, single submitter. Criteria: ACMG/ClinGen CNV Guidelines, 2019. Collection method: clinical testing. Allele origin: unknown.
Comment: Multiple 13q deletions have been reported in the literature. Haploinsufficiency of the ZIC2 gene (OMIM 603073) is associated with autosomal dominant holoprosencephaly 5 (OMIM 609637). Patients with deletions distal to 13q32 commonly show distinct facial features and severe intellectual disability (Mol Med Rep. 2017 Jun;15(6):3658-3664. PMID: 28393221; Brain Dev. 2015 Aug;37(7):714-8. PMID: 25454392; Walczak-Sztulpa, et al., Am J Med Genet A. 2008 Feb 1;146(3):337-42). Other patients with similar deletions have also been reported (Mol Med Rep. 2017 Jun;15(6):3658-3664. PMID: 28393221, Eur J Med Genet. 2009 Jan-Feb;52(1):41-6. PMID: 19022413; Am J Med Genet A. 2009 May;149A(5):894-905. PMID: 19363806; Am J Med Genet A. 2013 Dec;161A(12):3035-41. PMID: 24038947; Am J Med Genet. 2001 Jan 15;98(2):137-44. PMID: 11223849). Thus, this copy number variant (CNV) is classified as pathogenic.

GRCh37/hg19 13q31.1-34(chr13:82131211-115107733)x1

Genes: ABCC4 (ATP binding cassette subfamily C member 4 (PEL blood group); minus strand), ABHD13 (abhydrolase domain containing 13; plus strand), ADPRHL1 (ADP-ribosylhydrolase like 1; minus strand), ANKRD10 (ankyrin repeat domain 10; minus strand), ANKRD10-IT1 (ANKRD10 intronic transcript 1) and 95 more. Cytogenetic location: 13q31.1-34.
Variant type: copy number loss.
Change: copy number 1 (one copy instead of two) of chr13:82,131,211-115,107,733 (32.98 Mb, GRCh37 coordinates, 1-based), cytogenetic band 13q31.1-34.
Identifiers: ClinVar variation 2685475 (VCV002685475.1).